The following is an entry in ClinVar:

NC_000004.11:g.(?_186423442)_(186456594_?)dup

Gene: PDLIM3 (PDZ and LIM domain 3; minus strand). Cytogenetic location: 4q35.1.
Variant type: Duplication.
Identifiers: ClinVar variation 1422617 (VCV001422617.1).

ClinVar aggregate classification (germline): Uncertain significance (1 of 4 stars; one submission).

Conditions:
Primary dilated cardiomyopathy (DCM). Also called: Dilated Cardiomyopathy. Identifiers: Orphanet 217604, MedGen C0007193, MeSH D002311, MONDO:0005021, HP:0001644. Inheritance: Various modes of inheritance.
Hypertrophic cardiomyopathy. Also called: HYPERTROPHIC MYOCARDIOPATHY. Identifiers: Orphanet 217569, MedGen C0007194, MeSH D002312, MONDO:0005045, HP:0001639.

Submission:

Labcorp Genetics (formerly Invitae), Labcorp
Classification: Uncertain significance for Hypertrophic cardiomyopathy; Primary dilated cardiomyopathy. Last evaluated: 2021-09-09. Review status: criteria provided, single submitter. Criteria: Invitae Variant Classification Sherloc (09022015). Collection method: clinical testing. Allele origin: germline.
Comment: A copy number gain of the genomic region encompassing the full coding sequence of the PDLIM3 gene has been identified. The boundaries of this event are unknown as they extend beyond the assayed region for this gene and therefore may encompass additional genes. As the precise location of this event is unknown, it may be in tandem or it may be located elsewhere in the genome. This variant has not been reported in the literature in individuals affected with PDLIM3-related conditions. Experimental studies and prediction algorithms are not available or were not evaluated, and the functional significance of this variant is currently unknown. In summary, the available evidence is currently insufficient to determine the role of this variant in disease. Therefore, it has been classified as a Variant of Uncertain Significance.